The following is an entry in ClinVar:

NM_002234.4(KCNA5):c.897C>A (p.Asn299Lys)

Gene: KCNA5 (potassium voltage-gated channel subfamily A member 5; plus strand). Cytogenetic location: 12p13.32.
Variant type: single nucleotide variant.
Coding change: c.897C>A on transcript NM_002234.4 (MANE Select); coding-DNA position 897, C replaced by A.
Protein change: p.Asn299Lys; replaces asparagine 299 with lysine.
Molecular consequence: missense variant.
Genome position (GRCh38, 1-based): chr12:5,045,044, C>A. VCF-style: chr12-5045044-C-A. GRCh37 (hg19) VCF-style: chr12-5154210-C-A.
Other names: c.897C>A (NM_002234.2); short protein forms N299K.
Identifiers: ClinVar variation 2627437 (VCV002627437.4), dbSNP rs773608258, ClinGen allele CA383465376.

ClinVar aggregate classification (germline): Uncertain significance. Review status: criteria provided, multiple submitters, no conflicts (2 of 4 stars). 4 submissions from 4 submitters: Uncertain significance (4). Last evaluated 2025-03-24.

Conditions:
KCNA5-related disorder. Also called: KCNA5-related condition.
Atrial fibrillation, familial, 7 (ATFB7). Identifiers: MedGen C2677106, MONDO:0012828, OMIM 612240.

Allele frequency attached by ClinVar (database versions not stated): gnomAD 0.00002.

Submissions (4):

Labcorp Genetics (formerly Invitae), Labcorp
Classification: Uncertain significance for Atrial fibrillation, familial, 7. Last evaluated: 2025-03-24. Review status: criteria provided, single submitter. Criteria: Invitae Variant Classification Sherloc (09022015). Collection method: clinical testing. Allele origin: germline.
Comment: This sequence change replaces asparagine, which is neutral and polar, with lysine, which is basic and polar, at codon 299 of the KCNA5 protein (p.Asn299Lys). This variant is present in population databases (no rsID available, gnomAD 0.007%). This variant has not been reported in the literature in individuals affected with KCNA5-related conditions. ClinVar contains an entry for this variant (Variation ID: 2627437). An algorithm developed to predict the effect of missense changes on protein structure and function (PolyPhen-2) suggests that this variant is likely to be tolerated. In summary, the available evidence is currently insufficient to determine the role of this variant in disease. Therefore, it has been classified as a Variant of Uncertain Significance.

GeneDx
Classification: Uncertain significance. Last evaluated: 2024-12-10. Review status: criteria provided, single submitter. Criteria: GeneDx Variant Classification Process June 2021. Collection method: clinical testing. Allele origin: germline. Affected: yes.
Comment: Has not been previously published as pathogenic or benign to our knowledge; Not observed at significant frequency in large population cohorts (gnomAD); In silico analysis indicates that this missense variant does not alter protein structure/function

PreventionGenetics, part of Exact Sciences
Classification: Uncertain significance for KCNA5-related condition. Last evaluated: 2023-04-04. Review status: criteria provided, single submitter. Criteria: ACMG Guidelines, 2015. Collection method: clinical testing. Allele origin: germline.
Comment: The KCNA5 c.897C>A variant is predicted to result in the amino acid substitution p.Asn299Lys. To our knowledge, this variant has not been reported in the literature. This variant is reported in 0.0066% of alleles in individuals of South Asian descent in gnomAD. At this time, the clinical significance of this variant is uncertain due to the absence of conclusive functional and genetic evidence.

Neuberg Centre For Genomic Medicine, NCGM
Classification: Uncertain significance for Atrial fibrillation, familial, 7. Review status: criteria provided, single submitter. Criteria: ACMG Guidelines, 2015. Collection method: clinical testing. Allele origin: germline. Inheritance: Autosomal dominant inheritance. Affected: yes.
Comment: The missense variant p.N299K in KCNA5 (NM_002234.4) has not been reported previously as a pathogenic variant nor as a benign variant, to our knowledge. The missense variant c.897C>A (p.N299K) in KCNA5 (NM_002234.4) is observed in 2/30496 (0.0066%) alleles from individuals of South Asian background in the gnomAD dataset (Exome Aggregation Consortium et al., 2016), but was not seen in the homozygous state. In silico tools predict the variant to be damaging and the residue is conserved across species. For these reasons, this variant has been classified as Uncertain Significance.